The following is an entry in ClinVar:

ClinVar aggregate classification (germline): Conflicting classifications of pathogenicity. Review status: criteria provided, conflicting classifications (1 of 4 stars). 2 submissions from 2 submitters: Likely pathogenic (1); Uncertain significance (1). Last evaluated 2020-07-21.

Conditions:
Primary dilated cardiomyopathy (DCM). Also called: Dilated Cardiomyopathy. Identifiers: Orphanet 217604, MedGen C0007193, MeSH D002311, MONDO:0005021, HP:0001644. Inheritance: Various modes of inheritance.
Hypertrophic cardiomyopathy. Also called: HYPERTROPHIC MYOCARDIOPATHY. Identifiers: Orphanet 217569, MedGen C0007194, MeSH D002312, MONDO:0005045, HP:0001639.

Submissions (2):

Labcorp Genetics (formerly Invitae), Labcorp
Classification: Uncertain significance for Hypertrophic cardiomyopathy. Last evaluated: 2020-07-21. Review status: criteria provided, single submitter. Criteria: Invitae Variant Classification Sherloc (09022015). Collection method: clinical testing. Allele origin: germline.
Comment: This sequence change replaces methionine with isoleucine at codon 528 of the MYH7 protein (p.Met528Ile). The methionine residue is highly conserved and there is a small physicochemical difference between methionine and isoleucine. This variant is not present in population databases (ExAC no frequency). In summary, the available evidence is currently insufficient to determine the role of this variant in disease. Therefore, it has been classified as a Variant of Uncertain Significance. Algorithms developed to predict the effect of sequence changes on RNA splicing suggest that this variant may create or strengthen a splice site, but this prediction has not been confirmed by published transcriptional studies. Algorithms developed to predict the effect of missense changes on protein structure and function are either unavailable or do not agree on the potential impact of this missense change (SIFT: "Deleterious"; PolyPhen-2: "Benign"; Align-GVGD: "Class C0"). This variant has not been reported in the literature in individuals with MYH7-related conditions. ClinVar contains an entry for this variant (Variation ID: 164361).

Laboratory for Molecular Medicine, Mass General Brigham Personalized Medicine
Classification: Likely pathogenic for Primary dilated cardiomyopathy. Last evaluated: 2015-01-29. Review status: criteria provided, single submitter. Criteria: LMM Criteria. Collection method: clinical testing. Allele origin: germline. Inheritance: Autosomal dominant inheritance. Observed: 1 variant allele.
Comment: Parental testing indicated that it likely occurred de no vo. This variant was absent from large population studies. Computational predict ion tools and conservation analysis do not provide strong support for or against an impact to the protein. In summary, although additional studies are required to fully establish its clinical significance, the p.Met528Ile variant is likely pathogenic based on its de novo occurrence.

NM_000257.4(MYH7):c.1584G>A (p.Met528Ile)

Gene: MYH7 (myosin heavy chain 7; minus strand). Cytogenetic location: 14q11.2.
Variant type: single nucleotide variant.
Coding change: c.1584G>A on transcript NM_000257.4 (MANE Select); coding-DNA position 1584, G replaced by A.
Protein change: p.Met528Ile; replaces methionine 528 with isoleucine.
Molecular consequence: missense variant.
Genome position (GRCh38, 1-based): chr14:23,427,889, C>T on the plus strand (G>A on the coding strand, the complement: MYH7 is on the minus strand). VCF-style: chr14-23427889-C-T. GRCh37 (hg19) VCF-style: chr14-23897098-C-T.
Other names: short protein forms M528I.
Identifiers: ClinVar variation 164361 (VCV000164361.14), dbSNP rs727503265, ClinGen allele CA011008.
Genomic context (GRCh38, chr14:23,427,889, plus strand): 5'-GAAGGTCATGTCGGTGGCCTTGGGGAACATGCACTCCTCTTCCAGGATGGACATGATGCC[C>T]ATGGGCTGAGGAAGCAGGAGAGAGCATCACTGAGTGTCCTTCACACAGGTGGACATGGAT-3'
Protein context (NP_000248.2, residues 518-538): QACIDLIEKP[Met528Ile]GIMSILEEEC